The following is an entry in ClinVar:

ClinVar aggregate classification (germline): Pathogenic. Review status: criteria provided, multiple submitters, no conflicts (2 of 4 stars). 6 submissions from 6 submitters: Pathogenic (5). 1 of the submissions does not count toward it. Last evaluated 2025-12-17.

Conditions:
Homocystinuria. Identifiers: MedGen C0019880, MONDO:0004737, HP:0002156.
Classic homocystinuria. Also called: Homocystinuria due to Cystathionine Beta-Synthase Deficiency; Homocystinuria due to CBS deficiency; Cystathionine beta-synthase deficiency; CBS deficiency; HOMOCYSTINURIA WITH OR WITHOUT RESPONSE TO PYRIDOXINE. Identifiers: Orphanet 394, MedGen C0751202, MONDO:0009352, OMIM 236200.
HYPERHOMOCYSTEINEMIA, THROMBOTIC, CBS-RELATED. Identifiers: MedGen C3150344, OMIM 236200.

Allele frequency attached by ClinVar (database versions not stated): gnomAD exomes 0.00001; ExAC 0.00001.

Submissions (6):

Labcorp Genetics (formerly Invitae), Labcorp
Classification: Pathogenic for HYPERHOMOCYSTEINEMIA, THROMBOTIC, CBS-RELATED. Last evaluated: 2025-12-17. Review status: criteria provided, single submitter. Criteria: Invitae Variant Classification Sherloc (09022015). Collection method: clinical testing. Allele origin: germline.
Comment: This sequence change replaces arginine, which is basic and polar, with glutamine, which is neutral and polar, at codon 379 of the CBS protein (p.Arg379Gln). This variant is present in population databases (rs763036586, gnomAD 0.002%). This missense change has been observed in individual(s) with homocystinuria (PMID: 12815602, 16479318, 21520339). ClinVar contains an entry for this variant (Variation ID: 188825). Invitae Evidence Modeling of protein sequence and biophysical properties (such as structural, functional, and spatial information, amino acid conservation, physicochemical variation, residue mobility, and thermodynamic stability) indicates that this missense variant is expected to disrupt CBS protein function with a positive predictive value of 95%. Experimental studies have shown that this missense change affects CBS function (PMID: 16429402). For these reasons, this variant has been classified as Pathogenic.

Natera, Inc.
Classification: Pathogenic for Homocystinuria due to cystathionine beta-synthase deficiency. Last evaluated: 2025-09-10. Review status: criteria provided, single submitter. Criteria: Natera Variant Classification Schema (03/2026). Collection method: clinical testing. Allele origin: germline.
Comment: The c.1136G>A variant in CBS is a missense variant predicted to cause substitution of arginine to glutamine at amino acid 379. This variant is rare in the general population with a frequency below the threshold expected for the associated phenotype(s). This variant has been observed in one or more individuals affected with the associated recessive disease, as either homozygous or compound heterozygous with a second variant (PMID: 16479318, 27243974, 12815602). Given the available evidence, this variant is classified as Pathogenic.

Women's Health and Genetics/Laboratory Corporation of America, LabCorp
Classification: Pathogenic for Homocystinuria. Last evaluated: 2024-05-28. Review status: criteria provided, single submitter. Criteria: LabCorp Variant Classification Summary - May 2015. Collection method: clinical testing. Allele origin: germline.
Comment: Variant summary: CBS c.1136G>A (p.Arg379Gln) results in a conservative amino acid change in the encoded protein sequence. Three of five in-silico tools predict a damaging effect of the variant on protein function. The variant allele was found at a frequency of 8e-06 in 249472 control chromosomes (gnomAD). c.1136G>A has been reported in the literature in several individuals affected with Homocystinuria (e.g. Urreizti_2003, Van Hove_2019, Kaur_2020, Gorukmez_2023). These data indicate that the variant is very likely to be associated with disease. A different variant affecting the same codon has been classified as pathogenic by our lab (c.1135C>T, p.Arg379Trp), supporting the critical relevance of codon 379 to CBS protein function. The following publications have been ascertained in the context of this evaluation (PMID: 12815602, 33057012, 36964972, 30873612). ClinVar contains an entry for this variant (Variation ID: 188825). Based on the evidence outlined above, the variant was classified as pathogenic.

Baylor Genetics
Classification: Pathogenic for Classic homocystinuria. Last evaluated: 2023-10-30. Review status: criteria provided, single submitter. Criteria: ACMG Guidelines, 2015. Collection method: clinical testing. Allele origin: unknown.

GeneDx
Classification: Pathogenic. Last evaluated: 2015-08-03. Review status: criteria provided, single submitter. Criteria: GeneDx Variant Classification (06012015). Collection method: clinical testing. Allele origin: germline. Affected: yes.
Comment: The R379Q substitution was absent form50 healthy, ethnically matched controls (Urreizti et al., 2003), and was also not observed in approximately6,500 individuals of European and African American ancestry in the NHLBI Exome Sequencing Project,indicating it is not a common benign variant in these populations. R379Q is a semi-conservative amino acidsubstitution, which may impact secondary protein structure as these residues differ in some properties, albeitthis residue is not conserved across species. Furthermore, a missense variant in the same residue (R379W)and in nearby residues (C370Y, V371M, D376N, K384E, K384N) have been reported in the Human GeneMutation Database in association with homocystinuria (Stenson et al., 2014), supporting the functionalimportance of this residue and region of the protein. Moreover, in vitro expression in e.coli and functionalassays demonstrated that the presence of R379Q completely abolishes enzyme function, most likely due to alack of monomers to form functional tetramers (Urreizti et al., 2006). In summary, R379Q in the CBS gene is interpreted as a pathogenic variant.

Counsyl
Classification: Likely pathogenic for Homocystinuria due to CBS deficiency. Last evaluated: 2014-06-11. Review status: no assertion criteria provided. Collection method: literature only. Allele origin: unknown. Inheritance: Autosomal recessive inheritance. Not counted in ClinVar's aggregate classification.

Literature cited by the submitters: PubMed 12815602 (cited by 4 submitters); PubMed 16479318 (cited by 3 submitters); PubMed 21520339 (cited by Labcorp Genetics (formerly Invitae), Labcorp and Counsyl); PubMed 16429402 (cited by Labcorp Genetics (formerly Invitae), Labcorp and Counsyl); PubMed 27243974 (cited by Natera, Inc.); PubMed 30873612 (cited by Women's Health and Genetics/Laboratory Corporation of America, LabCorp); PubMed 33057012 (cited by Women's Health and Genetics/Laboratory Corporation of America, LabCorp); PubMed 36964972 (cited by Women's Health and Genetics/Laboratory Corporation of America, LabCorp); PubMed 17069888 (cited by Counsyl).

NM_000071.3(CBS):c.1136G>A (p.Arg379Gln)

Gene: CBS (cystathionine beta-synthase; minus strand). Cytogenetic location: 21q22.3.
Variant type: single nucleotide variant.
Coding change: c.1136G>A on transcript NM_000071.3 (MANE Select); coding-DNA position 1136, G replaced by A.
Protein change: p.Arg379Gln; replaces arginine 379 with glutamine.
Molecular consequence: missense variant.
Genome position (GRCh38, 1-based): chr21:43,060,450, C>T on the plus strand (G>A on the coding strand, the complement: CBS is on the minus strand). VCF-style: chr21-43060450-C-T. GRCh37 (hg19) VCF-style: chr21-44480560-C-T.
Other names: c.1136G>A, p.Arg379Gln (NM_001178008.3, NM_001178009.3, NM_001320298.2); c.821G>A, p.Arg274Gln (NM_001321072.1); short protein forms R379Q, R274Q.
Identifiers: ClinVar variation 188825 (VCV000188825.14), dbSNP rs763036586, ClinGen allele CA274005.